The following is an entry in ClinVar:

ClinVar aggregate classification (germline): Conflicting classifications of pathogenicity. Review status: criteria provided, conflicting classifications (1 of 4 stars). 2 submissions from 2 submitters: Likely pathogenic (1); Uncertain significance (1). Last evaluated 2018-04-27.

Conditions:
Tip-toe gait. Also called: Toe walking. Identifiers: MedGen C0427144, HP:0030051.

Allele frequency attached by ClinVar (database versions not stated): gnomAD exomes below 0.00001; TOPMed below 0.00001; gnomAD 0.00001.
gnomAD v4.1: 3 of 1,613,766 alleles (0.00019%); highest among the groups gnomAD compares: Non-Finnish European, 0.00025%; no homozygotes.

Submissions (2):

Practice for Gait Abnormalities, David Pomarino, Competency Network Toe Walking C/o Practice Pomarino
Classification: Likely pathogenic for Tip-toe gait. Last evaluated: 2018-04-27. Review status: criteria provided, single submitter. Criteria: ACMG Guidelines, 2015. Collection method: clinical testing. Allele origin: germline. Inheritance: Autosomal dominant inheritance. Affected: yes.
Comment: Hereditary motor sensory neuropathy (HMSN), also known as Charcot-Marie-Tooth Disease (CMT), is the most commonly inherited peripheral polyneuropathy. It constitutes a group of inherited, progressive, motor and sensory peripheral nerve disorders with properties of demyelination, axonal degeneration, or both. It is classified by clinical characteristics, modes of inheritance, electrophysiologic features, metabolic defects, and specific gene markers. Our patients all walk on tiptoe, so they show similar symptoms. When we genetically test them with our toe walking panel, we find that around 90 per cent of them have a genetic variant that explains their toe walking. These can be assigned, for example, to the area of myopathies (such as variants of the COL6A3 gene), the area of hereditary neuropathies (such as variants of the KMT2C gene) or the area of metabolic diseases (such as variants of the PYGM gene). In a smaller group of patients with almost identical symptoms, no abnormality is found in the genes of our panel, but spastic paraplegia can be detected. In another small group of our toe walkers, no abnormalities can be detected in the genes analysed in our toe walking panel, nor do they suffer from spastic paraplegia, as is also the case with healthy children. In contrast to these, however, they show a tiptoe gait. These patients suffer from infantile cerebral palsy, in which toe walking can also be observed.

CeGaT Center for Human Genetics Tuebingen
Classification: Uncertain significance. Last evaluated: 2018-04-01. Review status: criteria provided, single submitter. Criteria: CeGaT Center For Human Genetics Tuebingen Variant Classification Criteria Version 2. Collection method: clinical testing. Allele origin: germline. Affected: yes. Observed: 1 variant allele.

Literature cited by the submitters: PubMed 37091313 (cited by Practice for Gait Abnormalities, David Pomarino, Competency Network Toe Walking C/o Practice Pomarino).

NM_021625.5(TRPV4):c.2211G>A (p.Trp737Ter)

Gene: TRPV4 (transient receptor potential cation channel subfamily V member 4; minus strand). Cytogenetic location: 12q24.11.
Variant type: single nucleotide variant.
Coding change: c.2211G>A on transcript NM_021625.5 (MANE Select); coding-DNA position 2211, G replaced by A.
Protein change: p.Trp737Ter; replaces tryptophan 737 with a stop codon.
Molecular consequence: nonsense.
Genome position (GRCh38, 1-based): chr12:109,786,835, C>T on the plus strand (G>A on the coding strand, the complement: TRPV4 is on the minus strand). VCF-style: chr12-109786835-C-T. GRCh37 (hg19) VCF-style: chr12-110224640-C-T.
Other names: c.2070G>A, p.Trp690Ter (NM_001177428.2); c.2109G>A, p.Trp703Ter (NM_001177431.2); c.1890G>A, p.Trp630Ter (NM_001177433.2); c.2031G>A, p.Trp677Ter (NM_147204.3); short protein forms W737*, W677*, W630*, W690*, W703*.
Identifiers: ClinVar variation 623816 (VCV000623816.46), dbSNP rs1035249096, ClinGen allele CA243496488.